The following is an entry in ClinVar:

NM_017866.6(TMEM70):c.359del (p.Thr120fs)

Gene: TMEM70 (transmembrane protein 70; plus strand). Cytogenetic location: 8q21.11.
Variant type: Deletion.
Coding change: c.359del on transcript NM_017866.6 (MANE Select); coding-DNA position 359, one base deleted (C; older notation c.359delC).
Protein change: p.Thr120fs; shifts the reading frame from threonine 120.
Molecular consequence: frameshift variant. On other transcripts: 3 prime UTR variant (1), non-coding transcript variant (1).
Genome position (GRCh38, 1-based): chr8:73,981,197, C deleted. VCF-style (leftmost placement, unchanged base first): chr8-73981196-AC-A. GRCh37 (hg19) VCF-style: chr8-74893431-AC-A.
Other names: c.*49del (NM_001040613.3); c.359del (NM_017866.5); short protein forms T120fs.
Identifiers: ClinVar variation 1524311 (VCV001524311.11), dbSNP rs2131236556, ClinGen allele CA2573143290.

ClinVar aggregate classification (germline): Pathogenic/Likely pathogenic. Review status: criteria provided, multiple submitters, no conflicts (2 of 4 stars). 3 submissions from 3 submitters: Pathogenic (2); Likely pathogenic (1). Last evaluated 2023-12-19.

Conditions:
Mitochondrial complex V (ATP synthase) deficiency, nuclear type 2. Also called: ENCEPHALOCARDIOMYOPATHY, MITOCHONDRIAL, NEONATAL, DUE TO ATP SYNTHASE DEFICIENCY; Nuclear-Encoded ATPase Deficiency, TMEM70-Related; MITOCHONDRIAL COMPLEX V (ATP SYNTHASE) DEFICIENCY, TMEM70 TYPE. Identifiers: Orphanet 1194, MedGen C3279699, MONDO:0013546, OMIM 614052.

Allele frequency attached by ClinVar (database versions not stated): gnomAD exomes below 0.00001.

Submissions (3):

GeneDx
Classification: Likely pathogenic. Last evaluated: 2023-12-19. Review status: criteria provided, single submitter. Criteria: GeneDx Variant Classification Process June 2021. Collection method: clinical testing. Allele origin: germline. Affected: yes.
Comment: Frameshift variant predicted to result in abnormal protein length as the last 141 amino acids are replaced with 33 different amino acids, and other similar variants have been reported in HGMD; Not observed at significant frequency in large population cohorts (gnomAD); This variant is associated with the following publications: (PMID: 25326274)

Intergen Genetics and Rare Diseases Diagnosis Center
Classification: Pathogenic for Mitochondrial complex V (ATP synthase) deficiency, nuclear type 2. Last evaluated: 2023-07-21. Review status: criteria provided, single submitter. Criteria: ACMG Guidelines, 2015. Collection method: clinical testing. Allele origin: biparental. Inheritance: Autosomal recessive inheritance. Affected: yes. Observed: 1 homozygote.

Labcorp Genetics (formerly Invitae), Labcorp
Classification: Pathogenic for Mitochondrial complex V (ATP synthase) deficiency, nuclear type 2. Last evaluated: 2022-10-29. Review status: criteria provided, single submitter. Criteria: Invitae Variant Classification Sherloc (09022015). Collection method: clinical testing. Allele origin: germline.
Comment: For these reasons, this variant has been classified as Pathogenic. This variant disrupts a region of the TMEM70 protein in which other variant(s) (p.Tyr166Cysfs*7) have been determined to be pathogenic (Invitae). This suggests that this is a clinically significant region of the protein, and that variants that disrupt it are likely to be disease-causing. ClinVar contains an entry for this variant (Variation ID: 1524311). This premature translational stop signal has been observed in individual(s) with TMEM70 deficiency (PMID: 25326274). This variant is not present in population databases (gnomAD no frequency). This sequence change creates a premature translational stop signal (p.Thr120Asnfs*34) in the TMEM70 gene. While this is not anticipated to result in nonsense mediated decay, it is expected to disrupt the last 141 amino acid(s) of the TMEM70 protein.

Literature cited by the submitters: PubMed 25326274 (cited by Labcorp Genetics (formerly Invitae), Labcorp).